The following is an entry in ClinVar:

NM_007294.4(BRCA1):c.4848T>C (p.Ala1616=)

Gene: BRCA1 (BRCA1 DNA repair associated; minus strand). Cytogenetic location: 17q21.31.
Variant type: single nucleotide variant.
Coding change: c.4848T>C on transcript NM_007294.4 (MANE Select); coding-DNA position 4848, T replaced by C.
Protein change: p.Ala1616=; no amino-acid change (alanine 1616 retained).
Molecular consequence: synonymous variant. On other transcripts: intron variant (1).
Genome position (GRCh38, 1-based): chr17:43,071,066, A>G on the plus strand (T>C on the coding strand, the complement: BRCA1 is on the minus strand). VCF-style: chr17-43071066-A-G. GRCh37 (hg19) VCF-style: chr17-41223083-A-G.
Other names: c.4635T>C, p.Ala1545= (NM_001407571.1, NM_001407894.1, NM_001407895.1 and 12 more transcripts); c.4914T>C, p.Ala1638= (NM_001407581.1, NM_001407582.1); c.4911T>C, p.Ala1637= (NM_001407583.1, NM_001407585.1, NM_001407587.1 and 1 more transcripts); c.4908T>C, p.Ala1636= (NM_001407590.1, NM_001407591.1); c.4848T>C, p.Ala1616= (NM_001407593.1, NM_001407594.1, NM_001407596.1 and 8 more transcripts); c.4845T>C, p.Ala1615= (NM_001407610.1, NM_001407611.1, NM_001407612.1 and 17 more transcripts); c.4842T>C, p.Ala1614= (NM_001407627.1, NM_001407628.1, NM_001407629.1 and 14 more transcripts); c.4839T>C, p.Ala1613= (NM_001407644.1, NM_001407645.1); and 71 more.
Identifiers: ClinVar variation 825226 (VCV000825226.16), dbSNP rs1480250917, ClinGen allele CA500231798.

ClinVar aggregate classification (germline): Likely benign. Review status: criteria provided, multiple submitters, no conflicts (2 of 4 stars). 6 submissions from 6 submitters: Likely benign (5). 1 of the submissions does not count toward it. Last evaluated 2026-03-06.

Conditions:
Hereditary cancer-predisposing syndrome. Also called: Hereditary Cancer Syndrome; Neoplastic Syndromes, Hereditary; Tumor predisposition; Hereditary neoplastic syndrome. Identifiers: Orphanet 140162, MedGen C0027672, MeSH D009386, MONDO:0015356.
Malignant tumor of breast. Also called: Malignant breast neoplasm; Cancer breast. Identifiers: MedGen C0006142, MONDO:0007254. Disease mechanism: loss of function.
Hereditary breast ovarian cancer syndrome. Also called: Hereditary breast and ovarian cancer syndrome (HBOC); Hereditary breast and/or ovarian cancer syndrome; Hereditary breast and ovarian cancer syndrome; BRCA1- and BRCA2-Associated Hereditary Breast and Ovarian Cancer; Breast and ovarian cancer; Hereditary breast and ovarian cancer. Identifiers: Orphanet 145, MedGen C0677776, MeSH D061325, MONDO:0003582. Disease mechanism: loss of function.

Allele frequency attached by ClinVar (database versions not stated): gnomAD exomes below 0.00001; TOPMed below 0.00001; gnomAD 0.00001.

Submissions (6):

Women's Health and Genetics/Laboratory Corporation of America, LabCorp
Classification: Likely benign. Last evaluated: 2026-03-06. Review status: criteria provided, single submitter. Criteria: LabCorp Variant Classification Summary - May 2015. Collection method: clinical testing. Allele origin: germline.

Color Diagnostics, LLC DBA Color Health
Classification: Likely benign for Hereditary cancer-predisposing syndrome. Last evaluated: 2025-08-25. Review status: criteria provided, single submitter. Criteria: ACMG Guidelines, 2015. Collection method: clinical testing. Allele origin: germline.

Labcorp Genetics (formerly Invitae), Labcorp
Classification: Likely benign for Hereditary breast ovarian cancer syndrome. Last evaluated: 2025-02-26. Review status: criteria provided, single submitter. Criteria: Invitae Variant Classification Sherloc (09022015). Collection method: clinical testing. Allele origin: germline.

GeneDx
Classification: Likely benign. Last evaluated: 2021-04-21. Review status: criteria provided, single submitter. Criteria: GeneDx Variant Classification Process June 2021. Collection method: clinical testing. Allele origin: germline. Affected: yes.

Ambry Genetics
Classification: Likely benign for Hereditary cancer-predisposing syndrome. Last evaluated: 2018-07-13. Review status: criteria provided, single submitter. Criteria: Ambry Variant Classification Scheme 2023. Collection method: clinical testing. Allele origin: germline.

Department of Pathology and Laboratory Medicine, Sinai Health System
Classification: Likely benign for Malignant tumor of breast. Review status: no assertion criteria provided. Collection method: clinical testing. Allele origin: unknown. Affected: yes. Study: The Canadian Open Genetics Repository (COGR). Not counted in ClinVar's aggregate classification.
Comment: The BRCA1 p.Ala1616= variant was not identified in the literature nor was it identified in the ClinVar, LOVD 3.0, UMD-LSDB, databases. The variant was identified in dbSNP (rs1480250917) as â€šÃ„ÃºNAâ€šÃ„Ã¹ .The variant was not identified in the following control databases: the Exome Aggregation Consortium (August 8th 2016), or the Genome Aggregation Database (Feb 27, 2017). The p.Ala1616= variant is not expected to have clinical significance because it does not result in a change of amino acid and is not located in a known consensus splice site. The variant occurs at a non-highly conserved nucleotide outside of the splicing consensus sequence and in silico or computational prediction software programs (SpliceSiteFinder, MaxEntScan, NNSPLICE, GeneSplicer) do not predict a difference in splicing. In summary, based on the above information the clinical significance of this variant cannot be determined with certainty at this time although we would lean towards a more benign role for this variant. This variant is classified as likely benign.